The following is an entry in ClinVar:

ClinVar aggregate classification (germline): Uncertain significance (1 of 4 stars; one submission).

Conditions:
Autosomal dominant limb-girdle muscular dystrophy type 1G (LGMDD3). Also called: MUSCULAR DYSTROPHY, LIMB-GIRDLE, AUTOSOMAL DOMINANT 3; Limb-girdle muscular dystrophy, type 1G. Identifiers: Orphanet 55596, MedGen C1836765, MONDO:0012193, OMIM 609115.

Submission:

Labcorp Genetics (formerly Invitae), Labcorp
Classification: Uncertain significance for Autosomal dominant limb-girdle muscular dystrophy type 1G. Last evaluated: 2022-06-27. Review status: criteria provided, single submitter. Criteria: Invitae Variant Classification Sherloc (09022015). Collection method: clinical testing. Allele origin: germline.
Comment: ClinVar contains an entry for this variant (Variation ID: 648751). This variant has not been reported in the literature in individuals affected with HNRNPDL-related conditions. This variant is not present in population databases (gnomAD no frequency). This sequence change replaces glycine, which is neutral and non-polar, with glutamic acid, which is acidic and polar, at codon 376 of the HNRNPDL protein (p.Gly376Glu). Algorithms developed to predict the effect of missense changes on protein structure and function are either unavailable or do not agree on the potential impact of this missense change (SIFT: "Deleterious"; PolyPhen-2: "Benign"; Align-GVGD: "Class C65"). In summary, the available evidence is currently insufficient to determine the role of this variant in disease. Therefore, it has been classified as a Variant of Uncertain Significance.

NM_031372.4(HNRNPDL):c.1127G>A (p.Gly376Glu)

Gene: HNRNPDL (heterogeneous nuclear ribonucleoprotein D like; minus strand). Cytogenetic location: 4q21.22.
Variant type: single nucleotide variant.
Coding change: c.1127G>A on transcript NM_031372.4 (MANE Select); coding-DNA position 1127, G replaced by A.
Protein change: p.Gly376Glu; replaces glycine 376 with glutamic acid.
Molecular consequence: missense variant. On other transcripts: intron variant (1), non-coding transcript variant (1).
Genome position (GRCh38, 1-based): chr4:82,426,528, C>T on the plus strand (G>A on the coding strand, the complement: HNRNPDL is on the minus strand). VCF-style: chr4-82426528-C-T. GRCh37 (hg19) VCF-style: chr4-83347681-C-T.
Other names: c.1022-399G>A (NM_001207000.1); short protein forms G376E.
Identifiers: ClinVar variation 648751 (VCV000648751.11), dbSNP rs1207358630, ClinGen allele CA357168696.